The following is an entry in ClinVar:

NM_006767.4(LZTR1):c.233A>G (p.Asp78Gly)

Gene: LZTR1 (leucine zipper like post translational regulator 1; plus strand). Cytogenetic location: 22q11.21.
Variant type: single nucleotide variant.
Coding change: c.233A>G on transcript NM_006767.4 (MANE Select); coding-DNA position 233, A replaced by G.
Protein change: p.Asp78Gly; replaces aspartic acid 78 with glycine.
Molecular consequence: missense variant.
Genome position (GRCh38, 1-based): chr22:20,983,059, A>G. VCF-style: chr22-20983059-A-G. GRCh37 (hg19) VCF-style: chr22-21337348-A-G.
Other names: short protein forms D78G.
Identifiers: ClinVar variation 1789825 (VCV001789825.2), dbSNP rs2518608617, ClinGen allele CA410778352.
Genomic context (GRCh38, chr22:20,983,059, plus strand): 5'-TTACCGCCCTCCACTCCTTTCTTTCCAGGCGCAGCAAGCACACAGTGGTGGCCTATAAAG[A>G]TGCCATTTATGTATTTGGTGGAGACAATGGGTGAGTGAGTCTCAGCATCAGTGTTTGGAC-3'
Protein context (NP_006758.2, residues 68-88): RSKHTVVAYK[Asp78Gly]AIYVFGGDNG

ClinVar aggregate classification (germline): Uncertain significance (1 of 4 stars; one submission).

Conditions:
Hereditary cancer-predisposing syndrome. Also called: Hereditary Cancer Syndrome; Hereditary neoplastic syndrome; Tumor predisposition; Neoplastic Syndromes, Hereditary. Identifiers: Orphanet 140162, MedGen C0027672, MeSH D009386, MONDO:0015356.
Cardiovascular phenotype. Identifiers: MedGen CN230736.

Submission:

Ambry Genetics
Classification: Uncertain significance for Cardiovascular phenotype; Hereditary cancer-predisposing syndrome. Last evaluated: 2022-06-05. Review status: criteria provided, single submitter. Criteria: Ambry Variant Classification Scheme 2023. Collection method: clinical testing. Allele origin: germline.
Comment: The p.D78G variant (also known as c.233A>G), located in coding exon 2 of the LZTR1 gene, results from an A to G substitution at nucleotide position 233. The aspartic acid at codon 78 is replaced by glycine, an amino acid with similar properties. This amino acid position is conserved. In addition, the in silico prediction for this alteration is inconclusive. Since supporting evidence is limited at this time, the clinical significance of this alteration remains unclear.